The following is an entry in ClinVar:

NM_001082486.2(ACD):c.413+1G>C

Gene: ACD (ACD shelterin complex subunit and telomerase recruitment factor; minus strand). Cytogenetic location: 16q22.1.
Variant type: single nucleotide variant.
Coding change: c.413+1G>C on transcript NM_001082486.2 (MANE Select); the canonical splice donor site of the intron after coding-DNA position 413, G replaced by C.
Molecular consequence: splice donor variant.
Genome position (GRCh38, 1-based): chr16:67,659,536, C>G on the plus strand (G>C on the coding strand, the complement: ACD is on the minus strand). VCF-style: chr16-67659536-C-G. GRCh37 (hg19) VCF-style: chr16-67693439-C-G.
Other names: c.404+1G>C (NM_022914.3); c.413+1G>C (NM_001410884.1).
Identifiers: ClinVar variation 2173698 (VCV002173698.5), dbSNP rs767285943, ClinGen allele CA8114715.
Genomic context (GRCh38, chr16:67,659,536, plus strand): 5'-TCTGCCAGCGCCGGCCAGGCTGGGGTGGGGAGAGCTGCTGGAGGGCGGAGGCATCACTTA[C>G]CAACCAGGCACCCGTAGCCGGGGCTGCTCCGTGGGCAGCAGGCTGAAGCGGTCCACCTGG-3'

ClinVar aggregate classification (germline): Uncertain significance. Review status: criteria provided, single submitter (1 of 4 stars). 2 submissions from 2 submitters: Uncertain significance (1). 1 of the submissions does not count toward it. Last evaluated 2025-05-13.

Conditions:
Dyskeratosis congenita, autosomal dominant 6 (DKCA6). Identifiers: Orphanet 3322, MedGen C4225284, MONDO:0014690, OMIM 616553.
Long telomere syndrome.

gnomAD v4.1: 8 of 1,613,122 alleles (0.0005%); highest among the groups gnomAD compares: Non-Finnish European, 0.00068%; no homozygotes.

Submissions (2):

Labcorp Genetics (formerly Invitae), Labcorp
Classification: Uncertain significance for Dyskeratosis congenita, autosomal dominant 6. Last evaluated: 2025-05-13. Review status: criteria provided, single submitter. Criteria: Invitae Variant Classification Sherloc (09022015). Collection method: clinical testing. Allele origin: germline.
Comment: This sequence change affects a donor splice site in intron 4 of the ACD gene. It is expected to disrupt RNA splicing. Variants that disrupt the donor or acceptor splice site typically lead to a loss of protein function (PMID: 16199547), however the current clinical and genetic evidence is not sufficient to establish whether loss-of-function variants in ACD cause disease. This variant is present in population databases (rs767285943, gnomAD 0.002%). This variant has not been reported in the literature in individuals affected with ACD-related conditions. ClinVar contains an entry for this variant (Variation ID: 2173698). Algorithms developed to predict the effect of sequence changes on RNA splicing suggest that this variant may disrupt the consensus splice site. In summary, the available evidence is currently insufficient to determine the role of this variant in disease. Therefore, it has been classified as a Variant of Uncertain Significance.

The Telomere Center at Johns Hopkins, Johns Hopkins University School of Medicine
Classification: Pathogenic for Long telomere syndrome. Last evaluated: 2023-04-01. Review status: no assertion criteria provided. Collection method: research. Allele origin: germline. Affected: yes. Not counted in ClinVar's aggregate classification.

Literature cited by the submitters: PubMed 16199547 (cited by Labcorp Genetics (formerly Invitae), Labcorp); PubMed 38688277 (cited by The Telomere Center at Johns Hopkins, Johns Hopkins University School of Medicine).